The following is an entry in ClinVar:

ClinVar aggregate classification (germline): Uncertain significance (1 of 4 stars; one submission).

gnomAD v4.1: 44 of 1,613,466 alleles (0.0027%); highest among the groups gnomAD compares: Admixed American, 0.005%; 1 homozygote.

Submission:

Labcorp Genetics (formerly Invitae), Labcorp
Classification: Uncertain significance. Last evaluated: 2025-12-17. Review status: criteria provided, single submitter. Criteria: Invitae Variant Classification Sherloc (09022015). Collection method: clinical testing. Allele origin: germline.
Comment: This sequence change replaces arginine, which is basic and polar, with histidine, which is basic and polar, at codon 124 of the ACAN protein (p.Arg124His). This variant is present in population databases (rs757439227, gnomAD 0.005%). This missense change has been observed in individual(s) with ACAN-related short stature (PMID: 29464738). Invitae Evidence Modeling of protein sequence and biophysical properties (such as structural, functional, and spatial information, amino acid conservation, physicochemical variation, residue mobility, and thermodynamic stability) indicates that this missense variant is not expected to disrupt ACAN protein function with a negative predictive value of 80%. In summary, the available evidence is currently insufficient to determine the role of this variant in disease. Therefore, it has been classified as a Variant of Uncertain Significance.

Literature cited by the submitters: PubMed 29464738.

NM_001369268.1(ACAN):c.371G>A (p.Arg124His)

Gene: ACAN (aggrecan; plus strand). Cytogenetic location: 15q26.1.
Variant type: single nucleotide variant.
Coding change: c.371G>A on transcript NM_001369268.1 (MANE Select); coding-DNA position 371, G replaced by A.
Protein change: p.Arg124His; replaces arginine 124 with histidine.
Molecular consequence: missense variant.
Genome position (GRCh38, 1-based): chr15:88,838,963, G>A. VCF-style: chr15-88838963-G-A. GRCh37 (hg19) VCF-style: chr15-89382194-G-A.
Other names: c.371G>A, p.Arg124His (NM_001135.4, NM_001411096.1, NM_001411097.1 and 1 more transcripts); short protein forms R124H.
Identifiers: ClinVar variation 4737656 (VCV004737656.1).